The following is an entry in ClinVar:

ClinVar aggregate classification (germline): Uncertain significance (1 of 4 stars; one submission).

Conditions:
Hereditary cancer-predisposing syndrome. Also called: Hereditary neoplastic syndrome; Neoplastic Syndromes, Hereditary; Tumor predisposition; Hereditary Cancer Syndrome. Identifiers: Orphanet 140162, MedGen C0027672, MeSH D009386, MONDO:0015356.

Submission:

Ambry Genetics
Classification: Uncertain significance for Hereditary cancer-predisposing syndrome. Last evaluated: 2025-01-27. Review status: criteria provided, single submitter. Criteria: Ambry Variant Classification Scheme 2023. Collection method: clinical testing. Allele origin: germline.
Comment: The p.E1069K variant (also known as c.3205G>A), located in coding exon 19 of the DICER1 gene, results from a G to A substitution at nucleotide position 3205. The glutamic acid at codon 1069 is replaced by lysine, an amino acid with similar properties. This amino acid position is conserved. In addition, this alteration is predicted to be deleterious by in silico analysis. Based on the available evidence, the clinical significance of this variant remains unclear.

NM_177438.3(DICER1):c.3205G>A (p.Glu1069Lys)

Gene: DICER1 (dicer 1, ribonuclease III; minus strand). Cytogenetic location: 14q32.13.
Variant type: single nucleotide variant.
Coding change: c.3205G>A on transcript NM_177438.3 (MANE Select); coding-DNA position 3205, G replaced by A.
Protein change: p.Glu1069Lys; replaces glutamic acid 1069 with lysine.
Molecular consequence: missense variant. On other transcripts: non-coding transcript variant (6).
Genome position (GRCh38, 1-based): chr14:95,105,135, C>T on the plus strand (G>A on the coding strand, the complement: DICER1 is on the minus strand). VCF-style: chr14-95105135-C-T. GRCh37 (hg19) VCF-style: chr14-95571472-C-T.
Other names: c.3205G>A, p.Glu1069Lys (NM_001195573.1, NM_001271282.3, NM_001291628.2 and 12 more transcripts); c.2923G>A, p.Glu975Lys (NM_001395686.1); c.2800G>A, p.Glu934Lys (NM_001395687.1, NM_001395688.1, NM_001395689.1 and 2 more transcripts); c.2638G>A, p.Glu880Lys (NM_001395691.1); c.1522G>A, p.Glu508Lys (NM_001395697.1); short protein forms E934K, E880K, E1069K, E508K, E975K.
Identifiers: ClinVar variation 3840018 (VCV003840018.1).